The following is an entry in ClinVar:

ClinVar aggregate classification (germline): Uncertain significance (1 of 4 stars; one submission).

Submission:

Ambry Genetics
Classification: Uncertain significance. Last evaluated: 2026-02-21. Review status: criteria provided, single submitter. Criteria: Ambry Variant Classification Scheme 2023. Collection method: clinical testing. Allele origin: germline.
Comment: The p.A1992V variant (also known as c.5975C>T), located in coding exon 24 of the WNK2 gene, results from a C to T substitution at nucleotide position 5975. The alanine at codon 1992 is replaced by valine, an amino acid with similar properties. This amino acid position is conserved. In addition, this alteration is predicted to be tolerated by in silico analysis. Based on the available evidence, the clinical significance of this variant remains unclear.

NM_006648.4(WNK2):c.5975C>T (p.Ala1992Val)

Gene: WNK2 (WNK lysine deficient protein kinase 2; plus strand). Cytogenetic location: 9q22.31.
Variant type: single nucleotide variant.
Coding change: c.5975C>T on transcript NM_006648.4 (MANE Select); coding-DNA position 5975, C replaced by T.
Protein change: p.Ala1992Val; replaces alanine 1992 with valine.
Molecular consequence: missense variant.
Genome position (GRCh38, 1-based): chr9:93,299,121, C>T. VCF-style: chr9-93299121-C-T. GRCh37 (hg19) VCF-style: chr9-96061403-C-T.
Other names: c.6086C>T, p.Ala2029Val (NM_001282394.3); short protein forms A2029V, A1992V.
Identifiers: ClinVar variation 4844918 (VCV004844918.1).